The following is an entry in ClinVar:

ClinVar aggregate classification (germline): Pathogenic (1 of 4 stars; one submission).

Submission:

Clinical Genomics Laboratory, Laboratory for Precision Diagnostics, University of Washington
Classification: Pathogenic. Last evaluated: 2023-09-20. Review status: criteria provided, single submitter. Criteria: ACMG/ClinGen CNV Guidelines, 2019. Collection method: clinical testing. Allele origin: unknown. Affected: yes. Observed: 1 variant allele.
Comment: This is a recurrent microdeletion and is associated with X-linked ichthyosis (XLI) due to steroid sulfatase deficiency.

Literature cited by the submitters: PubMed 25659225; PubMed 36479267.

GRCh38/hg38 Xp22.31(chrX:6538899-8167012)x0

Genes: MIR4767 (microRNA 4767; plus strand), MIR651 (microRNA 651; plus strand), PNPLA4 (patatin like domain 4, phospholipase and triacylglycerol lipase; minus strand), PUDP (pseudouridine 5'-phosphatase; minus strand), STS (steroid sulfatase; plus strand) and 21 more. Cytogenetic location: Xp22.31.
Variant type: copy number loss.
Change: copy number 0 of chrX:6,538,899-8,167,012 (1.63 Mb, GRCh38 coordinates, 1-based), cytogenetic band Xp22.31.
Identifiers: ClinVar variation 4890949 (VCV004890949.1).